The following is an entry in ClinVar:

NM_003923.3(FOXH1):c.47C>T (p.Ser16Leu)

Gene: FOXH1 (forkhead box H1; minus strand). Cytogenetic location: 8q24.3.
Variant type: single nucleotide variant.
Coding change: c.47C>T on transcript NM_003923.3 (MANE Select); coding-DNA position 47, C replaced by T.
Protein change: p.Ser16Leu; replaces serine 16 with leucine.
Molecular consequence: missense variant.
Genome position (GRCh38, 1-based): chr8:144,475,710, G>A on the plus strand (C>T on the coding strand, the complement: FOXH1 is on the minus strand). VCF-style: chr8-144475710-G-A. GRCh37 (hg19) VCF-style: chr8-145701093-G-A.
Other names: short protein forms S16L.
Identifiers: ClinVar variation 259200 (VCV000259200.19), dbSNP rs180724802, ClinGen allele CA4945684.
Genomic context (GRCh38, chr8:144,475,710, plus strand): 5'-TAGGGGGGCTTGTCATGTCGCAGGTACCTCTTCTTCCTCCTCTTAGGGGGCTGGGAGGGC[G>A]ACTCTGCCTCTGGGGGCCCCAGGCGGGAGCCGCTGCAGGGCCCCATGCGGGACGGTAGAC-3'
Protein context (NP_003914.1, residues 6-26): GSRLGPPEAE[Ser16Leu]PSQPPKRRKK

ClinVar aggregate classification (germline): Conflicting classifications of pathogenicity. Review status: criteria provided, conflicting classifications (1 of 4 stars). 5 submissions from 5 submitters: Uncertain significance (1); Benign (3); Likely benign (1). Last evaluated 2025-08-18.

Conditions:
Holoprosencephaly sequence (HPE). Also called: Holoprosencephaly. Identifiers: Orphanet 2162, MedGen C0079541, MONDO:0016296, HP:0001360.

Allele frequency attached by ClinVar (database versions not stated): gnomAD exomes 0.00019 and 0.00081; 1000 Genomes Project 30x 0.00094; 1000 Genomes Project 0.00100; ESP Exome Variant Server 0.00221; gnomAD 0.00222 and 0.00241; TOPMed 0.00257; ExAC 0.00323.

Submissions (5):

Labcorp Genetics (formerly Invitae), Labcorp
Classification: Benign for Holoprosencephaly sequence. Last evaluated: 2025-08-18. Review status: criteria provided, single submitter. Criteria: Invitae Variant Classification Sherloc (09022015). Collection method: clinical testing. Allele origin: germline.

Blueprint Genetics
Classification: Likely benign. Last evaluated: 2024-03-04. Review status: criteria provided, single submitter. Criteria: ACMG Guidelines, 2015. Collection method: clinical testing. Allele origin: germline.

GeneDx
Classification: Uncertain significance. Last evaluated: 2022-11-08. Review status: criteria provided, single submitter. Criteria: GeneDx Variant Classification Process June 2021. Collection method: clinical testing. Allele origin: germline. Affected: yes.
Comment: Identified in a patient with a congenital heart defect in published literature (Roessler et al., 2008); In silico analysis supports that this missense variant does not alter protein structure/function; This variant is associated with the following publications: (PMID: 18538293)

Illumina Laboratory Services, Illumina
Classification: Benign for Holoprosencephaly sequence. Last evaluated: 2018-01-13. Review status: criteria provided, single submitter. Criteria: ICSL Variant Classification Criteria 13 December 2019. Collection method: clinical testing. Allele origin: germline.
Comment: This variant was observed in the ICSL laboratory as part of a predisposition screen in an ostensibly healthy population. It had not been previously curated by ICSL or reported in the Human Gene Mutation Database (HGMD: prior to June 1st, 2018), and was therefore a candidate for classification through an automated scoring system. Utilizing variant allele frequency, disease prevalence and penetrance estimates, and inheritance mode, an automated score was calculated to assess if this variant is too frequent to cause the disease. Based on the score and internal cut-off values, a variant classified as benign is not then subjected to further curation. The score for this variant resulted in a classification of benign for this disease.

PreventionGenetics, part of Exact Sciences
Classification: Benign. Review status: criteria provided, single submitter. Criteria: ACMG Guidelines, 2015. Collection method: clinical testing. Allele origin: germline.